The following is an entry in ClinVar:

NM_013276.4(SHPK):c.1136C>T (p.Pro379Leu)

Gene: SHPK (sedoheptulokinase; minus strand). Cytogenetic location: 17p13.2.
Variant type: single nucleotide variant.
Coding change: c.1136C>T on transcript NM_013276.4 (MANE Select); coding-DNA position 1136, C replaced by T.
Protein change: p.Pro379Leu; replaces proline 379 with leucine.
Molecular consequence: missense variant.
Genome position (GRCh38, 1-based): chr17:3,610,861, G>A on the plus strand (C>T on the coding strand, the complement: SHPK is on the minus strand). VCF-style: chr17-3610861-G-A. GRCh37 (hg19) VCF-style: chr17-3514155-G-A.
Other names: short protein forms P379L.
Identifiers: ClinVar variation 1982203 (VCV001982203.4), dbSNP rs759769678, ClinGen allele CA8291094.

ClinVar aggregate classification (germline): Uncertain significance (1 of 4 stars; one submission).

Allele frequency attached by ClinVar (database versions not stated): gnomAD 0.00001; TOPMed 0.00001; ExAC 0.00002.
gnomAD v4.1: 42 of 1,613,936 alleles (0.0026%); highest among the groups gnomAD compares: East Asian, 0.0067%; no homozygotes.

Submission:

Labcorp Genetics (formerly Invitae), Labcorp
Classification: Uncertain significance. Last evaluated: 2022-11-21. Review status: criteria provided, single submitter. Criteria: Invitae Variant Classification Sherloc (09022015). Collection method: clinical testing. Allele origin: germline.
Comment: In summary, the available evidence is currently insufficient to determine the role of this variant in disease. Therefore, it has been classified as a Variant of Uncertain Significance. Algorithms developed to predict the effect of missense changes on protein structure and function are either unavailable or do not agree on the potential impact of this missense change (SIFT: "Deleterious"; PolyPhen-2: "Probably Damaging"; Align-GVGD: "Class C0"). This variant has not been reported in the literature in individuals affected with SHPK-related conditions. This variant is present in population databases (rs759769678, gnomAD 0.02%). This sequence change replaces proline, which is neutral and non-polar, with leucine, which is neutral and non-polar, at codon 379 of the SHPK protein (p.Pro379Leu).